The following is an entry in ClinVar:

NM_139119.3(YY1AP1):c.1456A>G (p.Met486Val)

Gene: YY1AP1 (YY1 associated protein 1; minus strand). Cytogenetic location: 1q22.
Variant type: single nucleotide variant.
Coding change: c.1456A>G on transcript NM_139119.3 (MANE Select); coding-DNA position 1456, A replaced by G.
Protein change: p.Met486Val; replaces methionine 486 with valine.
Molecular consequence: missense variant. On other transcripts: 3 prime UTR variant (1).
Genome position (GRCh38, 1-based): chr1:155,660,454, T>C on the plus strand (A>G on the coding strand, the complement: YY1AP1 is on the minus strand). VCF-style: chr1-155660454-T-C. GRCh37 (hg19) VCF-style: chr1-155630245-T-C.
Other names: c.1423A>G, p.Met475Val (NM_001198899.2, NM_001198900.2, NM_018253.4); c.1456A>G, p.Met486Val (NM_001198901.2, NM_001198902.2); c.1870A>G, p.Met624Val (NM_001198903.1); c.1810A>G, p.Met604Val (NM_001198904.1); c.1396A>G, p.Met466Val (NM_001198905.2); c.*399A>G (NM_001198906.2); c.1594A>G, p.Met532Val (NM_139118.3); c.1258A>G, p.Met420Val (NM_139121.3); short protein forms M475V, M486V, M532V, M624V, M420V, M466V, M604V.
Identifiers: ClinVar variation 781665 (VCV000781665.28), dbSNP rs185936522, ClinGen allele CA1148494.

ClinVar aggregate classification (germline): Benign. Review status: criteria provided, multiple submitters, no conflicts (2 of 4 stars). 2 submissions from 2 submitters: Benign (2). Last evaluated 2023-07-01.

Allele frequency attached by ClinVar (database versions not stated): gnomAD 0.00320 and 0.00347; TOPMed 0.00336; 1000 Genomes Project 30x 0.00390; 1000 Genomes Project 0.00439; ExAC 0.00518.
gnomAD v4.1: 7,026 of 1,612,588 alleles (0.44%); highest among the groups gnomAD compares: South Asian, 1.6%; 50 homozygotes.

Submissions (2):

CeGaT Center for Human Genetics Tuebingen
Classification: Benign. Last evaluated: 2023-07-01. Review status: criteria provided, single submitter. Criteria: CeGaT Center For Human Genetics Tuebingen Variant Classification Criteria Version 2. Collection method: clinical testing. Allele origin: germline. Affected: yes. Observed: 2 variant alleles.
Comment: YY1AP1: BP4, BS1, BS2

Labcorp Genetics (formerly Invitae), Labcorp
Classification: Benign. Last evaluated: 2019-12-31. Review status: criteria provided, single submitter. Criteria: Invitae Variant Classification Sherloc (09022015). Collection method: clinical testing. Allele origin: germline.